The following is an entry in ClinVar:

NM_001080517.3(SETD5):c.3468C>G (p.Cys1156Trp)

Gene: SETD5 (SET domain containing 5; plus strand). Cytogenetic location: 3p25.3.
Variant type: single nucleotide variant.
Coding change: c.3468C>G on transcript NM_001080517.3 (MANE Select); coding-DNA position 3468, C replaced by G.
Protein change: p.Cys1156Trp; replaces cysteine 1156 with tryptophan.
Molecular consequence: missense variant.
Genome position (GRCh38, 1-based): chr3:9,473,508, C>G. VCF-style: chr3-9473508-C-G. GRCh37 (hg19) VCF-style: chr3-9515192-C-G.
Other names: c.3174C>G, p.Cys1058Trp (NM_001292043.2, NM_001349451.2); short protein forms C1058W, C1156W.
Identifiers: ClinVar variation 2097721 (VCV002097721.4), dbSNP rs2473898718, ClinGen allele CA351686683.

ClinVar aggregate classification (germline): Uncertain significance (1 of 4 stars; one submission).

Submission:

Labcorp Genetics (formerly Invitae), Labcorp
Classification: Uncertain significance. Last evaluated: 2022-02-14. Review status: criteria provided, single submitter. Criteria: Invitae Variant Classification Sherloc (09022015). Collection method: clinical testing. Allele origin: germline.
Comment: In summary, the available evidence is currently insufficient to determine the role of this variant in disease. Therefore, it has been classified as a Variant of Uncertain Significance. Algorithms developed to predict the effect of missense changes on protein structure and function are either unavailable or do not agree on the potential impact of this missense change (SIFT: "Deleterious"; PolyPhen-2: "Possibly Damaging"; Align-GVGD: "Class C15"). This variant has not been reported in the literature in individuals affected with SETD5-related conditions. This variant is not present in population databases (gnomAD no frequency). This sequence change replaces cysteine, which is neutral and slightly polar, with tryptophan, which is neutral and slightly polar, at codon 1156 of the SETD5 protein (p.Cys1156Trp).